The following is an entry in ClinVar:

NM_004727.3(SLC24A1):c.2964C>G (p.Ile988Met)

Gene: SLC24A1 (solute carrier family 24 member 1; plus strand). Cytogenetic location: 15q22.31.
Variant type: single nucleotide variant.
Coding change: c.2964C>G on transcript NM_004727.3 (MANE Select); coding-DNA position 2964, C replaced by G.
Protein change: p.Ile988Met; replaces isoleucine 988 with methionine.
Molecular consequence: missense variant.
Genome position (GRCh38, 1-based): chr15:65,652,722, C>G. VCF-style: chr15-65652722-C-G. GRCh37 (hg19) VCF-style: chr15-65945060-C-G.
Other names: c.945C>G, p.Ile315Met (NM_001254740.2); c.2874C>G, p.Ile958Met (NM_001301031.1); c.2910C>G, p.Ile970Met (NM_001301032.1, NM_001301033.2); c.2964C>G (NM_004727.2); short protein forms I315M, I958M, I988M, I970M.
Identifiers: ClinVar variation 1485767 (VCV001485767.6), dbSNP rs1290812953, ClinGen allele CA392902206.

ClinVar aggregate classification (germline): Uncertain significance. Review status: criteria provided, multiple submitters, no conflicts (2 of 4 stars). 2 submissions from 2 submitters: Uncertain significance (2). Last evaluated 2023-12-28.

Conditions:
Inborn genetic diseases. Identifiers: MedGen C0950123, MeSH D030342.

gnomAD v4.1: 5 of 1,613,884 alleles (0.00031%); highest among the groups gnomAD compares: Middle Eastern, 0.016%; no homozygotes.

Submissions (2):

Ambry Genetics
Classification: Uncertain significance for Inborn genetic diseases. Last evaluated: 2023-12-28. Review status: criteria provided, single submitter. Criteria: Ambry Variant Classification Scheme 2023. Collection method: clinical testing. Allele origin: germline.

Labcorp Genetics (formerly Invitae), Labcorp
Classification: Uncertain significance. Last evaluated: 2022-03-16. Review status: criteria provided, single submitter. Criteria: Invitae Variant Classification Sherloc (09022015). Collection method: clinical testing. Allele origin: germline.
Comment: This sequence change replaces isoleucine, which is neutral and non-polar, with methionine, which is neutral and non-polar, at codon 988 of the SLC24A1 protein (p.Ile988Met). This variant is not present in population databases (gnomAD no frequency). This variant has not been reported in the literature in individuals affected with SLC24A1-related conditions. Algorithms developed to predict the effect of missense changes on protein structure and function are either unavailable or do not agree on the potential impact of this missense change (SIFT: "Deleterious"; PolyPhen-2: "Possibly Damaging"; Align-GVGD: "Class C0"). In summary, the available evidence is currently insufficient to determine the role of this variant in disease. Therefore, it has been classified as a Variant of Uncertain Significance.